The following is an entry in ClinVar:

NM_000550.3(TYRP1):c.599T>G (p.Phe200Cys)

Gene: TYRP1 (tyrosinase related protein 1; plus strand). Cytogenetic location: 9p23.
Variant type: single nucleotide variant.
Coding change: c.599T>G on transcript NM_000550.3 (MANE Select); coding-DNA position 599, T replaced by G.
Protein change: p.Phe200Cys; replaces phenylalanine 200 with cysteine.
Molecular consequence: missense variant.
Genome position (GRCh38, 1-based): chr9:12,695,728, T>G. VCF-style: chr9-12695728-T-G. GRCh37 (hg19) VCF-style: chr9-12695728-T-G.
Other names: short protein forms F200C.
Identifiers: ClinVar variation 1934864 (VCV001934864.2), dbSNP rs779391347, ClinGen allele CA4985262.
Genomic context (GRCh38, chr9:12,695,728, plus strand): 5'-AGAACATTTCCATTTATAACTACTTTGTTTGGACACACTATTACTCAGTCAAAAAGACTT[T>G]CCTTGGGGTAGGACAGGAAAGCTTTGGTGAAGTGGATTTCTCTCATGAGGGACCAGCTTT-3'
Protein context (NP_000541.1, residues 190-210): WTHYYSVKKT[Phe200Cys]LGVGQESFGE

ClinVar aggregate classification (germline): Uncertain significance (1 of 4 stars; one submission).

Allele frequency attached by ClinVar (database versions not stated): ExAC 0.00001; TOPMed 0.00001.
gnomAD v4.1: 12 of 1,614,180 alleles (0.00074%); highest among the groups gnomAD compares: Non-Finnish European, 0.001%; no homozygotes.

Submission:

Labcorp Genetics (formerly Invitae), Labcorp
Classification: Uncertain significance. Last evaluated: 2022-06-13. Review status: criteria provided, single submitter. Criteria: Invitae Variant Classification Sherloc (09022015). Collection method: clinical testing. Allele origin: germline.
Comment: This sequence change replaces phenylalanine, which is neutral and non-polar, with cysteine, which is neutral and slightly polar, at codon 200 of the TYRP1 protein (p.Phe200Cys). This variant is present in population databases (rs779391347, gnomAD 0.0009%). This missense change has been observed in individual(s) with clinical features of TYRP1-related conditions (Invitae). Algorithms developed to predict the effect of missense changes on protein structure and function are either unavailable or do not agree on the potential impact of this missense change (SIFT: "Tolerated"; PolyPhen-2: "Probably Damaging"; Align-GVGD: "Class C0"). In summary, the available evidence is currently insufficient to determine the role of this variant in disease. Therefore, it has been classified as a Variant of Uncertain Significance.